The following is an entry in ClinVar:

NM_003119.4(SPG7):c.2295C>T (p.Asp765=)

Gene: SPG7 (SPG7 matrix AAA peptidase subunit, paraplegin; plus strand). Cytogenetic location: 16q24.3.
Variant type: single nucleotide variant.
Coding change: c.2295C>T on transcript NM_003119.4 (MANE Select); coding-DNA position 2295, C replaced by T.
Protein change: p.Asp765=; no amino-acid change (aspartic acid 765 retained).
Molecular consequence: synonymous variant. On other transcripts: 3 prime UTR variant (1).
Genome position (GRCh38, 1-based): chr16:89,557,000, C>T. VCF-style: chr16-89557000-C-T. GRCh37 (hg19) VCF-style: chr16-89623408-C-T.
Other names: p.D765D:GAC>GAT; p.Asp765=; c.*73C>T (NM_001363850.1).
Identifiers: ClinVar variation 139251 (VCV000139251.21), dbSNP rs61747712, ClinGen allele CA345677.

ClinVar aggregate classification (germline): Benign/Likely benign. Review status: criteria provided, multiple submitters, no conflicts (2 of 4 stars). 7 submissions from 7 submitters: Benign (4); Likely benign (3). Last evaluated 2026-02-03.

Conditions:
Hereditary spastic paraplegia. Also called: Familial spastic paraparesis. Identifiers: Orphanet 685, MedGen C0037773, MONDO:0019064. Disease mechanism: loss of function.
Hereditary spastic paraplegia 7 (SPG7). Also called: Spastic paraplegia 7; Hereditary spastic paraplegia Paraplegin type; SPASTIC PARAPLEGIA 7, AUTOSOMAL RECESSIVE, WITH OR WITHOUT CEREBELLAR ATAXIA; SPG7-related neurologic disorder; Autosomal recessive spastic paraplegia type 7. Identifiers: Orphanet 99013, MedGen C1846564, MONDO:0011803, OMIM 607259.

Allele frequency attached by ClinVar (database versions not stated): gnomAD exomes 0.00099 and 0.00273; ExAC 0.00359; gnomAD 0.01039 and 0.01110; TOPMed 0.01234; 1000 Genomes Project 30x 0.01296; 1000 Genomes Project 0.01278; ESP Exome Variant Server 0.01331.
gnomAD v4.1: 3,086 of 1,613,806 alleles (0.19%); highest among the groups gnomAD compares: African/African-American, 3.7%; 51 homozygotes.

Submissions (7):

Labcorp Genetics (formerly Invitae), Labcorp
Classification: Benign for Hereditary spastic paraplegia 7. Last evaluated: 2026-02-03. Review status: criteria provided, single submitter. Criteria: Invitae Variant Classification Sherloc (09022015). Collection method: clinical testing. Allele origin: germline.

Mayo Clinic Laboratories, Mayo Clinic
Classification: Benign. Last evaluated: 2022-11-16. Review status: criteria provided, single submitter. Criteria: ACMG Guidelines, 2015. Collection method: clinical testing. Allele origin: germline. Observed: 16 variant alleles.
Comment: BA1, BP4, BP7

Genome Diagnostics Laboratory, The Hospital for Sick Children
Classification: Likely benign for Hereditary spastic paraplegia. Last evaluated: 2022-01-17. Review status: criteria provided, single submitter. Criteria: ACMG Guidelines, 2015. Collection method: clinical testing. Allele origin: germline. Affected: yes.

Illumina Laboratory Services, Illumina
Classification: Likely benign for Hereditary spastic paraplegia 7. Last evaluated: 2018-01-12. Review status: criteria provided, single submitter. Criteria: ICSL Variant Classification Criteria 13 December 2019. Collection method: clinical testing. Allele origin: germline.
Comment: This variant was observed in the ICSL laboratory as part of a predisposition screen in an ostensibly healthy population. It had not been previously curated by ICSL or reported in the Human Gene Mutation Database (HGMD: prior to June 1st, 2018), and was therefore a candidate for classification through an automated scoring system. Utilizing variant allele frequency, disease prevalence and penetrance estimates, and inheritance mode, an automated score was calculated to assess if this variant is too frequent to cause the disease. Based on the score and internal cut-off values, a variant classified as likely benign is not then subjected to further curation. The score for this variant resulted in a classification of likely benign for this disease.

Athena Diagnostics
Classification: Benign. Last evaluated: 2017-12-28. Review status: criteria provided, single submitter. Criteria: Athena Diagnostics Criteria. Collection method: clinical testing. Allele origin: germline.

GeneDx
Classification: Benign. Last evaluated: 2014-02-09. Review status: criteria provided, single submitter. Criteria: GeneDx Variant Classification (06012015). Collection method: clinical testing. Allele origin: germline. Affected: yes.
Comment: This variant is considered likely benign or benign based on one or more of the following criteria: it is a conservative change, it occurs at a poorly conserved position in the protein, it is predicted to be benign by multiple in silico algorithms, and/or has population frequency not consistent with disease.

Breakthrough Genomics
Classification: Likely benign. Review status: criteria provided, single submitter. Criteria: ACMG Guidelines, 2015. Collection method: not provided. Allele origin: germline. Inheritance: Autosomal recessive inheritance. Affected: yes.

Literature cited by the submitters: PubMed 16534102 (cited by Athena Diagnostics).